The following is an entry in ClinVar:

NM_013432.5(TONSL):c.1673G>A (p.Arg558Gln)

Genes: TONSL (tonsoku like, DNA repair protein; minus strand), TONSL-AS1 (TONSL antisense RNA 1; plus strand). Cytogenetic location: 8q24.3.
Variant type: single nucleotide variant.
Coding change: c.1673G>A on transcript NM_013432.5 (MANE Select); coding-DNA position 1673, G replaced by A.
Protein change: p.Arg558Gln; replaces arginine 558 with glutamine.
Molecular consequence: missense variant.
Genome position (GRCh38, 1-based): chr8:144,437,080, C>T on the plus strand (G>A on the coding strand, the complement: TONSL is on the minus strand). VCF-style: chr8-144437080-C-T. GRCh37 (hg19) VCF-style: chr8-145662463-C-T.
Other names: NM_013432.5(TONSL):c.1673G>A; p.Arg558Gln; c.1673G>A (NM_013432.4); short protein forms R558Q.
Identifiers: ClinVar variation 638069 (VCV000638069.8), dbSNP rs777654833, ClinGen allele CA4943104.

ClinVar aggregate classification (germline): Conflicting classifications of pathogenicity. Review status: criteria provided, conflicting classifications (1 of 4 stars). 5 submissions from 5 submitters: Likely pathogenic (1); Uncertain significance (3). 1 of the submissions does not count toward it. Last evaluated 2025-02-14.

Conditions:
Sponastrime dysplasia. Also called: SPONDYLAR AND NASAL ALTERATIONS WITH STRIATED METAPHYSES. Identifiers: Orphanet 93357, MedGen C1300260, MONDO:0010068, OMIM 271510.
Spondylometaphyseal dysplasia. Identifiers: Orphanet 254, MedGen C4759767, MONDO:0016763, HP:0002657.

Allele frequency attached by ClinVar (database versions not stated): gnomAD 0.00005 and 0.00004; TOPMed 0.00005.
gnomAD v4.1: 24 of 1,612,956 alleles (0.0015%); highest among the groups gnomAD compares: African/African-American, 0.004%; no homozygotes.

Submissions (5):

GeneDx
Classification: Likely pathogenic. Last evaluated: 2025-02-14. Review status: criteria provided, single submitter. Criteria: GeneDx Variant Classification Process June 2021. Collection method: clinical testing. Allele origin: germline. Affected: yes.
Comment: In silico analysis supports that this missense variant has a deleterious effect on splicing; Not observed at significant frequency in large population cohorts (gnomAD); This variant is associated with the following publications: (PMID: 30773278, 34426522)

Broad Center for Mendelian Genomics, Broad Institute of MIT and Harvard
Classification: Uncertain significance for Spondylometaphyseal dysplasia. Last evaluated: 2024-05-16. Review status: criteria provided, single submitter. Criteria: ACMG Guidelines, 2015. Collection method: curation. Allele origin: germline. Inheritance: Autosomal recessive inheritance.
Comment: The p.Arg558Gln variant has been reported in one individual with spondylometaphyseal dysplasia (PMID: 30773278), and the variant has been identified in 0.004% (3/74926) of African/African American chromosomes by the Genome Aggregation Database (gnomAD; dbSNP (rs777654833)). This variant has been reported in ClinVar (Variation ID: 638069) and has been interpreted as uncertain significance by Invitae and pathogenic by OMIM. Computational prediction tools and conservation analyses suggest that this variant may impact the protein, though this information is not predictive enough to determine pathogenicity. In summary, the clinical significance of the p.Arg558Gln variant is uncertain. ACMG/AMP Criteria applied: PM3, PM2_Supporting, PP3 (Richards 2015).

Labcorp Genetics (formerly Invitae), Labcorp
Classification: Uncertain significance. Last evaluated: 2023-12-11. Review status: criteria provided, single submitter. Criteria: Invitae Variant Classification Sherloc (09022015). Collection method: clinical testing. Allele origin: germline.
Comment: This sequence change replaces arginine, which is basic and polar, with glutamine, which is neutral and polar, at codon 558 of the TONSL protein (p.Arg558Gln). The frequency data for this variant in the population databases is considered unreliable, as metrics indicate poor data quality at this position in the gnomAD database. This missense change has been observed in individuals with clinical features of sponastrime dysplasia (PMID: 30773278; Invitae). ClinVar contains an entry for this variant (Variation ID: 638069). Advanced modeling of protein sequence and biophysical properties (such as structural, functional, and spatial information, amino acid conservation, physicochemical variation, residue mobility, and thermodynamic stability) performed at Invitae indicates that this missense variant is expected to disrupt TONSL protein function with a positive predictive value of 80%. Algorithms developed to predict the effect of sequence changes on RNA splicing suggest that this variant may disrupt the consensus splice site. In summary, the available evidence is currently insufficient to determine the role of this variant in disease. Therefore, it has been classified as a Variant of Uncertain Significance.

Blueprint Genetics
Classification: Uncertain significance. Last evaluated: 2020-06-07. Review status: criteria provided, single submitter. Criteria: ACMG Guidelines, 2015. Collection method: clinical testing. Allele origin: germline.

OMIM
Classification: Pathogenic for SPONDYLOEPIMETAPHYSEAL DYSPLASIA, SPONASTRIME TYPE. Last evaluated: 2019-07-24. Review status: no assertion criteria provided. Collection method: literature only. Allele origin: germline. Not counted in ClinVar's aggregate classification.

Literature cited by the submitters: PubMed 30773278 (cited by Labcorp Genetics (formerly Invitae), Labcorp and OMIM).